The following is an entry in ClinVar:

NM_001165967.2(HES7):c.557C>A (p.Ser186Tyr)

Genes: HES7 (hes family bHLH transcription factor 7; minus strand), LOC130060203 (ATAC-STARR-seq lymphoblastoid silent region 8155; plus strand). Cytogenetic location: 17p13.1.
Variant type: single nucleotide variant.
Coding change: c.557C>A on transcript NM_001165967.2 (MANE Select); coding-DNA position 557, C replaced by A.
Protein change: p.Ser186Tyr; replaces serine 186 with tyrosine.
Molecular consequence: missense variant.
Genome position (GRCh38, 1-based): chr17:8,121,707, G>T on the plus strand (C>A on the coding strand, the complement: HES7 is on the minus strand). VCF-style: chr17-8121707-G-T. GRCh37 (hg19) VCF-style: chr17-8025025-G-T.
Other names: c.542C>A, p.Ser181Tyr (NM_032580.4); short protein forms S186Y, S181Y.
Identifiers: ClinVar variation 1933491 (VCV001933491.4), dbSNP rs550425522, ClinGen allele CA287537084.

ClinVar aggregate classification (germline): Uncertain significance (1 of 4 stars; one submission).

gnomAD v4.1: 9 of 1,353,638 alleles (0.00066%); highest among the groups gnomAD compares: African/African-American, 0.0076%; no homozygotes.

Submission:

Labcorp Genetics (formerly Invitae), Labcorp
Classification: Uncertain significance. Last evaluated: 2022-11-15. Review status: criteria provided, single submitter. Criteria: Invitae Variant Classification Sherloc (09022015). Collection method: clinical testing. Allele origin: germline.
Comment: In summary, the available evidence is currently insufficient to determine the role of this variant in disease. Therefore, it has been classified as a Variant of Uncertain Significance. Algorithms developed to predict the effect of missense changes on protein structure and function are either unavailable or do not agree on the potential impact of this missense change (SIFT: "Deleterious"; PolyPhen-2: "Probably Damaging"; Align-GVGD: "Class C0"). This variant has not been reported in the literature in individuals affected with HES7-related conditions. This variant is not present in population databases (gnomAD no frequency). This sequence change replaces serine, which is neutral and polar, with tyrosine, which is neutral and polar, at codon 181 of the HES7 protein (p.Ser181Tyr).